The following is an entry in ClinVar:

ClinVar aggregate classification (germline): Uncertain significance (1 of 4 stars; one submission).

Conditions:
Growth hormone insensitivity with immune dysregulation 1, autosomal recessive. Also called: Laron syndrome with immunodeficiency; LARON SYNDROME DUE TO POSTRECEPTOR DEFECT; GROWTH HORMONE INSENSITIVITY SYNDROME WITH IMMUNE DYSREGULATION 1, AUTOSOMAL RECESSIVE; GROWTH HORMONE INSENSITIVITY DUE TO POSTRECEPTOR DEFECT. Identifiers: Orphanet 220465, MedGen C5435698, MONDO:0100211, OMIM 245590.

Allele frequency attached by ClinVar (database versions not stated): TOPMed 0.00001.

Submission:

Labcorp Genetics (formerly Invitae), Labcorp
Classification: Uncertain significance for Growth hormone insensitivity with immune dysregulation 1, autosomal recessive. Last evaluated: 2020-09-15. Review status: criteria provided, single submitter. Criteria: Invitae Variant Classification Sherloc (09022015). Collection method: clinical testing. Allele origin: germline.
Comment: In summary, the available evidence is currently insufficient to determine the role of this variant in disease. Therefore, it has been classified as a Variant of Uncertain Significance. Algorithms developed to predict the effect of missense changes on protein structure and function are either unavailable or do not agree on the potential impact of this missense change (SIFT: "Tolerated"; PolyPhen-2: "Possibly Damaging"; Align-GVGD: "Class C0"). This variant has not been reported in the literature in individuals with STAT5B-related conditions. The frequency data for this variant in the population databases is considered unreliable, as metrics indicate insufficient coverage at this position in the ExAC database. This sequence change replaces lysine with glutamine at codon 235 of the STAT5B protein (p.Lys235Gln). The lysine residue is moderately conserved and there is a small physicochemical difference between lysine and glutamine.

NM_012448.4(STAT5B):c.703A>C (p.Lys235Gln)

Gene: STAT5B (signal transducer and activator of transcription 5B; minus strand). Cytogenetic location: 17q21.2.
Variant type: single nucleotide variant.
Coding change: c.703A>C on transcript NM_012448.4 (MANE Select); coding-DNA position 703, A replaced by C.
Protein change: p.Lys235Gln; replaces lysine 235 with glutamine.
Molecular consequence: missense variant.
Genome position (GRCh38, 1-based): chr17:42,219,442, T>G on the plus strand (A>C on the coding strand, the complement: STAT5B is on the minus strand). VCF-style: chr17-42219442-T-G. GRCh37 (hg19) VCF-style: chr17-40371460-T-G.
Other names: short protein forms K235Q.
Identifiers: ClinVar variation 1034435 (VCV001034435.9), dbSNP rs1206601633, ClinGen allele CA399587731.